The following is an entry in ClinVar:

NM_001844.5(COL2A1):c.1975C>T (p.Pro659Ser)

Gene: COL2A1 (collagen type II alpha 1 chain; minus strand). Cytogenetic location: 12q13.11.
Variant type: single nucleotide variant.
Coding change: c.1975C>T on transcript NM_001844.5 (MANE Select); coding-DNA position 1975, C replaced by T.
Protein change: p.Pro659Ser; replaces proline 659 with serine.
Molecular consequence: missense variant.
Genome position (GRCh38, 1-based): chr12:47,983,703, G>A on the plus strand (C>T on the coding strand, the complement: COL2A1 is on the minus strand). VCF-style: chr12-47983703-G-A. GRCh37 (hg19) VCF-style: chr12-48377486-G-A.
Other names: c.1768C>T, p.Pro590Ser (NM_033150.3); short protein forms P590S, P659S.
Identifiers: ClinVar variation 1310883 (VCV001310883.6), dbSNP rs747852608, ClinGen allele CA6535303.
Genomic context (GRCh38, chr12:47,983,703, plus strand): 5'-TGGCAAAGGACTGCACAGAGAGCCTGGTCCAGCCACCTACCTGGAACCCAGATGGCCCAG[G>A]AGCACCCTGCTCGCCTCGTTCACCAGCAGGTCCCTGCAGTGGAAAAGAAAAGGTGAGCTG-3'
Protein context (NP_001835.3, residues 649-669): PAGERGEQGA[Pro659Ser]GPSGFQGLPG

ClinVar aggregate classification (germline): Conflicting classifications of pathogenicity. Review status: criteria provided, conflicting classifications (1 of 4 stars). 3 submissions from 3 submitters: Uncertain significance (2); Benign (1). Last evaluated 2025-08-04.

Conditions:
Inborn genetic diseases. Identifiers: MedGen C0950123, MeSH D030342.

Allele frequency attached by ClinVar (database versions not stated): ExAC 0.00002; gnomAD exomes below 0.00001; gnomAD 0.00002; TOPMed 0.00001.
gnomAD v4.1: 5 of 1,600,182 alleles (0.00031%); highest among the groups gnomAD compares: African/African-American, 0.0067%; no homozygotes.

Submissions (3):

Ambry Genetics
Classification: Uncertain significance for Inborn genetic diseases. Last evaluated: 2025-08-04. Review status: criteria provided, single submitter. Criteria: Ambry Variant Classification Scheme 2023. Collection method: clinical testing. Allele origin: germline.

Labcorp Genetics (formerly Invitae), Labcorp
Classification: Benign. Last evaluated: 2025-05-21. Review status: criteria provided, single submitter. Criteria: Invitae Variant Classification Sherloc (09022015). Collection method: clinical testing. Allele origin: germline.

GeneDx
Classification: Uncertain significance. Last evaluated: 2019-12-09. Review status: criteria provided, single submitter. Criteria: GeneDx Variant Classification Process June 2021. Collection method: clinical testing. Allele origin: germline. Affected: yes.
Comment: In silico analysis, which includes protein predictors and evolutionary conservation, supports that this variant does not alter protein structure/function; Has not been previously published as pathogenic or benign to our knowledge